The following is an entry in ClinVar:

ClinVar aggregate classification (germline): Benign (0 of 4 stars; one submission).

Conditions:
PCDHA3-related disorder. Also called: PCDHA3-related condition.

Allele frequency attached by ClinVar (database versions not stated): ESP Exome Variant Server 0.51707; 1000 Genomes Project 30x 0.52311; ExAC 0.52489; 1000 Genomes Project 0.52536; gnomAD 0.51311; TOPMed 0.52360; gnomAD exomes 0.52813.
gnomAD v4.1: 850,393 of 1,613,974 alleles (53%); highest among the groups gnomAD compares: Middle Eastern, 58%; 224,685 homozygotes.

Submission:

PreventionGenetics, part of Exact Sciences
Classification: Benign for PCDHA3-related condition. Last evaluated: 2019-10-17. Review status: no assertion criteria provided. Collection method: clinical testing. Allele origin: germline.
Comment: This variant is classified as benign based on ACMG/AMP sequence variant interpretation guidelines (Richards et al. 2015 PMID: 25741868, with internal and published modifications).

NM_018906.3(PCDHA3):c.952A>G (p.Ile318Val)

Genes: PCDHA1 (protocadherin alpha 1; plus strand), PCDHA2 (protocadherin alpha 2; plus strand), PCDHA3 (protocadherin alpha 3; plus strand), PCDHA@ (protocadherin alpha cluster, complex locus; plus strand). Cytogenetic location: 5q31.3.
Variant type: single nucleotide variant.
Coding change: c.952A>G on transcript NM_018906.3 (MANE Select); coding-DNA position 952, A replaced by G.
Protein change: p.Ile318Val; replaces isoleucine 318 with valine.
Molecular consequence: missense variant. On other transcripts: intron variant (4).
Genome position (GRCh38, 1-based): chr5:140,802,149, A>G. VCF-style: chr5-140802149-A-G. GRCh37 (hg19) VCF-style: chr5-140181734-A-G.
Other names: c.952A>G, p.Ile318Val (NM_031497.2); c.2394+13465A>G (NM_018900.4); c.1602+14257A>G (NM_031411.3); c.2388+4797A>G (NM_018905.3); c.2389-2911A>G (NM_031496.2); short protein forms I318V.
Identifiers: ClinVar variation 3060267 (VCV003060267.2), dbSNP rs3733708, ClinGen allele CA3446383.